The following is an entry in ClinVar:

ClinVar aggregate classification (germline): Uncertain significance (1 of 4 stars; one submission).

Conditions:
Glycogen storage disease, type II (IOPD). Also called: Pompe Disease; CARDIOMEGALIA GLYCOGENICA DIFFUSA; GLYCOGENOSIS, GENERALIZED, CARDIAC FORM; GSD II; POMPE DISEASE, INFANTILE-ONSET; GLYCOGEN STORAGE DISEASE II, INFANTILE-ONSET. Identifiers: Orphanet 365, MedGen C0017921, MONDO:0009290, OMIM 232300.

Submission:

Genomenon, Inc
Classification: Uncertain significance for Glycogen storage disease, type II. Last evaluated: 2026-07-01. Review status: criteria provided, single submitter. Criteria: Genomenon Sequence Variant Interpretation Standards - Updated. Collection method: curation. Allele origin: germline.
Comment: GAA p.Thr333Lys (c.998C>A) is a missense variant that changes the amino acid at codon 333 from Threonine to Lysine. This variant has been reported in the compound heterozygous and/or homozygous state in at least one individual without a confirmed diagnosis of Pompe disease (PMID:31076647). It is absent or not present at a significant frequency in gnomAD. In conclusion, we classify GAA p.Thr333Lys (c.998C>A) as a variant of uncertain significance.

Literature cited by the submitters: PubMed 31076647.

NM_000152.5(GAA):c.998C>A (p.Thr333Lys)

Gene: GAA (alpha glucosidase; plus strand). Cytogenetic location: 17q25.3.
Variant type: single nucleotide variant.
Coding change: c.998C>A on transcript NM_000152.5 (MANE Select); coding-DNA position 998, C replaced by A.
Protein change: p.Thr333Lys; replaces threonine 333 with lysine.
Molecular consequence: missense variant.
Genome position (GRCh38, 1-based): chr17:80,108,332, C>A. VCF-style: chr17-80108332-C-A. GRCh37 (hg19) VCF-style: chr17-78082131-C-A.
Other names: c.998C>A, p.Thr333Lys (NM_001079803.3, NM_001079804.3, NM_001406741.1 and 1 more transcripts); short protein forms T333K.
Identifiers: ClinVar variation 4876273 (VCV004876273.1).